The following is an entry in ClinVar:

NM_005902.4(SMAD3):c.532+158C>A

Gene: SMAD3 (SMAD family member 3; plus strand). Cytogenetic location: 15q22.33.
Variant type: single nucleotide variant.
Coding change: c.532+158C>A on transcript NM_005902.4 (MANE Select); 158 bases into the intron after coding-DNA position 532, C replaced by A.
Molecular consequence: intron variant.
Genome position (GRCh38, 1-based): chr15:67,165,542, C>A. VCF-style: chr15-67165542-C-A. GRCh37 (hg19) VCF-style: chr15-67457880-C-A.
Other names: c.217+158C>A (NM_001145102.2); c.400+158C>A (NM_001145103.2).
Identifiers: ClinVar variation 675268 (VCV000675268.1), dbSNP rs140143645, ClinGen allele CA272378630.

ClinVar aggregate classification (germline): Likely benign (1 of 4 stars; one submission).

Allele frequency attached by ClinVar (database versions not stated): 1000 Genomes Project 30x 0.00921; 1000 Genomes Project 0.00978; TOPMed 0.01789.
gnomAD v4.1: 2,748 of 152,354 alleles (1.8%); highest among the groups gnomAD compares: Non-Finnish European, 2.9%; 34 homozygotes.

Submission:

GeneDx
Classification: Likely benign. Last evaluated: 2018-06-19. Review status: criteria provided, single submitter. Criteria: GeneDx Variant Classification (06012015). Collection method: clinical testing. Allele origin: germline. Affected: yes.
Comment: This variant is considered likely benign or benign based on one or more of the following criteria: it is a conservative change, it occurs at a poorly conserved position in the protein, it is predicted to be benign by multiple in silico algorithms, and/or has population frequency not consistent with disease.